The following is an entry in ClinVar:

ClinVar aggregate classification (germline): Uncertain significance (1 of 4 stars; one submission).

Submission:

GeneDx
Classification: Uncertain significance. Last evaluated: 2025-04-21. Review status: criteria provided, single submitter. Criteria: GeneDx Variant Classification Process June 2021. Collection method: clinical testing. Allele origin: germline. Affected: yes.
Comment: Not observed at significant frequency in large population cohorts (gnomAD); In silico analysis supports that this missense variant has a deleterious effect on protein structure/function; Has not been previously published as pathogenic or benign to our knowledge

NM_004187.5(KDM5C):c.3416A>G (p.Asp1139Gly)

Gene: KDM5C (lysine demethylase 5C; minus strand). Cytogenetic location: Xp11.22.
Variant type: single nucleotide variant.
Coding change: c.3416A>G on transcript NM_004187.5 (MANE Select); coding-DNA position 3416, A replaced by G.
Protein change: p.Asp1139Gly; replaces aspartic acid 1139 with glycine.
Molecular consequence: missense variant. On other transcripts: non-coding transcript variant (3).
Genome position (GRCh38, 1-based): chrX:53,194,953, T>C on the plus strand (A>G on the coding strand, the complement: KDM5C is on the minus strand). VCF-style: chrX-53194953-T-C. GRCh37 (hg19) VCF-style: chrX-53224135-T-C.
Other names: c.3215A>G, p.Asp1072Gly (NM_001146702.2); c.3413A>G, p.Asp1138Gly (NM_001282622.3, NM_001353979.2, NM_001353982.2); c.3416A>G, p.Asp1139Gly (NM_001353978.3, NM_001353981.2, NM_001353984.2); short protein forms D1072G, D1138G, D1139G.
Identifiers: ClinVar variation 4527368 (VCV004527368.1).